The following is an entry in ClinVar:

NM_000138.5(FBN1):c.2166T>G (p.Ser722Arg)

Gene: FBN1 (fibrillin 1; minus strand). Cytogenetic location: 15q21.1.
Variant type: single nucleotide variant.
Coding change: c.2166T>G on transcript NM_000138.5 (MANE Select); coding-DNA position 2166, T replaced by G.
Protein change: p.Ser722Arg; replaces serine 722 with arginine.
Molecular consequence: missense variant.
Genome position (GRCh38, 1-based): chr15:48,498,986, A>C on the plus strand (T>G on the coding strand, the complement: FBN1 is on the minus strand). VCF-style: chr15-48498986-A-C. GRCh37 (hg19) VCF-style: chr15-48791183-A-C.
Other names: c.2166T>G, p.Ser722Arg (NM_001406716.1); short protein forms S722R.
Identifiers: ClinVar variation 3070789 (VCV003070789.1), dbSNP rs752207298, ClinGen allele CA046970.

ClinVar aggregate classification (germline): Uncertain significance (1 of 4 stars; one submission).

Conditions:
Marfan syndrome (MFS). Also called: MARFAN SYNDROME, TYPE I; Marfan syndrome type 1; Marfan's syndrome; Marfan syndrome, classic; FBN1-Related Marfan Syndrome. Identifiers: Orphanet 284963, Orphanet 558, MedGen C0024796, MONDO:0007947, OMIM 154700.

Allele frequency attached by ClinVar (database versions not stated): ExAC 0.00001; gnomAD exomes below 0.00001.
gnomAD v4.1: 1 of 1,614,136 alleles (0.000062%); highest among the groups gnomAD compares: Non-Finnish European, 0.000085%; no homozygotes.

Submission:

All of Us Research Program, National Institutes of Health
Classification: Uncertain significance for Marfan syndrome. Last evaluated: 2023-05-04. Review status: criteria provided, single submitter. Criteria: ACMG Guidelines, 2015. Collection method: clinical testing. Allele origin: germline. Inheritance: Autosomal dominant inheritance. Observed: 1 variant allele, 1 heterozygote.
Comment: This missense variant replaces serine with arginine at codon 722 of the FBN1 protein. Computational prediction suggests that this variant may not impact protein structure and function (internally defined REVEL score threshold <= 0.5, PMID: 27666373). To our knowledge, functional studies have not been reported for this variant. This variant has not been reported in individuals affected with FBN1-related disorders in the literature. This variant has been identified in 1/251488 chromosomes in the general population by the Genome Aggregation Database (gnomAD). The available evidence is insufficient to determine the role of this variant in disease conclusively. Therefore, this variant is classified as a Variant of Uncertain Significance.

This study involves interpretation of variants in research participants for the purpose of population health screening. Participant phenotype was not available at the time of variant classification. Additional details can be found in publication PMID: 35346344, PMCID: PMC8962531